The following is an entry in ClinVar:

NM_024685.4(BBS10):c.1696A>G (p.Asn566Asp)

Gene: BBS10 (Bardet-Biedl syndrome 10; minus strand). Cytogenetic location: 12q21.2.
Variant type: single nucleotide variant.
Coding change: c.1696A>G on transcript NM_024685.4 (MANE Select); coding-DNA position 1696, A replaced by G.
Protein change: p.Asn566Asp; replaces asparagine 566 with aspartic acid.
Molecular consequence: missense variant.
Genome position (GRCh38, 1-based): chr12:76,346,289, T>C on the plus strand (A>G on the coding strand, the complement: BBS10 is on the minus strand). VCF-style: chr12-76346289-T-C. GRCh37 (hg19) VCF-style: chr12-76740069-T-C.
Other names: c.1696A>G (NM_024685.3); short protein forms N566D.
Identifiers: ClinVar variation 1520499 (VCV001520499.12), dbSNP rs144402299, ClinGen allele CA6694119.
Genomic context (GRCh38, chr12:76,346,289, plus strand): 5'-AAGTACCCATATTCGGTAACTTACAGCTCACTGGTAACATGCTTCCCTTTCTAGTAATAT[T>C]TGTGACCTGTAAATTTTCGTAAGAAATTTCTATTCTATTTCCCCTTGTTGAATAAGCAGT-3'
Protein context (NP_078961.3, residues 556-576): EISYENLQVT[Asn566Asp]ITRKGSMLPV

ClinVar aggregate classification (germline): Uncertain significance. Review status: criteria provided, multiple submitters, no conflicts (2 of 4 stars). 4 submissions from 4 submitters: Uncertain significance (4). Last evaluated 2025-08-14.

Conditions:
Bardet-Biedl syndrome (BBS). Identifiers: Orphanet 110, MedGen C0752166, MONDO:0015229.
BBS10-related disorder. Also called: BBS10-related condition.
Bardet-Biedl syndrome 10 (BBS10). Identifiers: Orphanet 110, MedGen C1859568, MONDO:0014438, OMIM 615987.

Allele frequency attached by ClinVar (database versions not stated): gnomAD exomes 0.00004; ExAC 0.00007; 1000 Genomes Project 0.00020; 1000 Genomes Project 30x 0.00031; ESP Exome Variant Server 0.00038.
gnomAD v4.1: 79 of 1,613,736 alleles (0.0049%); highest among the groups gnomAD compares: African/African-American, 0.011%; no homozygotes.

Submissions (4):

PreventionGenetics, part of Exact Sciences
Classification: Uncertain significance for BBS10-related condition. Last evaluated: 2025-08-14. Review status: criteria provided, single submitter. Criteria: ACMG Guidelines, 2015. Collection method: clinical testing. Allele origin: germline.
Comment: The BBS10 c.1696A>G variant is predicted to result in the amino acid substitution p.Asn566Asp. To our knowledge, this variant has not been reported in the literature. This variant is reported in 0.018% of alleles in individuals of African descent in gnomAD. At this time, the clinical significance of this variant is uncertain due to the absence of conclusive functional and genetic evidence.

Labcorp Genetics (formerly Invitae), Labcorp
Classification: Uncertain significance for Bardet-Biedl syndrome. Last evaluated: 2024-09-06. Review status: criteria provided, single submitter. Criteria: Invitae Variant Classification Sherloc (09022015). Collection method: clinical testing. Allele origin: germline.
Comment: This sequence change replaces asparagine, which is neutral and polar, with aspartic acid, which is acidic and polar, at codon 566 of the BBS10 protein (p.Asn566Asp). This variant is present in population databases (rs144402299, gnomAD 0.007%). This variant has not been reported in the literature in individuals affected with BBS10-related conditions. ClinVar contains an entry for this variant (Variation ID: 1520499). Invitae Evidence Modeling of protein sequence and biophysical properties (such as structural, functional, and spatial information, amino acid conservation, physicochemical variation, residue mobility, and thermodynamic stability) indicates that this missense variant is not expected to disrupt BBS10 protein function with a negative predictive value of 80%. In summary, the available evidence is currently insufficient to determine the role of this variant in disease. Therefore, it has been classified as a Variant of Uncertain Significance.

Fulgent Genetics
Classification: Uncertain significance for Bardet-Biedl syndrome 10. Last evaluated: 2024-04-29. Review status: criteria provided, single submitter. Criteria: ACMG Guidelines, 2015. Collection method: clinical testing. Allele origin: germline.

Revvity Omics, Revvity
Classification: Uncertain significance for Bardet-Biedl syndrome 10. Last evaluated: 2021-12-07. Review status: criteria provided, single submitter. Criteria: ACMG Guidelines, 2015. Collection method: clinical testing. Allele origin: germline.